The following is an entry in ClinVar:

ClinVar aggregate classification (germline): Uncertain significance (1 of 4 stars; one submission).

Conditions:
Cardiovascular phenotype. Identifiers: MedGen CN230736.
Hereditary cancer-predisposing syndrome. Also called: Neoplastic Syndromes, Hereditary; Tumor predisposition; Hereditary Cancer Syndrome; Hereditary neoplastic syndrome. Identifiers: Orphanet 140162, MedGen C0027672, MeSH D009386, MONDO:0015356.

gnomAD v4.1: 1 of 1,613,838 alleles (0.000062%); highest among the groups gnomAD compares: Non-Finnish European, 0.000085%; no homozygotes.

Submission:

Ambry Genetics
Classification: Uncertain significance for Cardiovascular phenotype; Hereditary cancer-predisposing syndrome. Last evaluated: 2025-12-05. Review status: criteria provided, single submitter. Criteria: Ambry Variant Classification Scheme 2023. Collection method: clinical testing. Allele origin: germline.
Comment: The p.N1882K variant (also known as c.5646C>A), located in coding exon 38 of the NF1 gene, results from a C to A substitution at nucleotide position 5646. The asparagine at codon 1882 is replaced by lysine, an amino acid with similar properties. This amino acid position is highly conserved in available vertebrate species. In addition, the in silico prediction for this alteration is inconclusive. Based on the available evidence, the clinical significance of this variant remains unclear.

NM_001042492.3(NF1):c.5709C>A (p.Asn1903Lys)

Gene: NF1 (neurofibromin 1; plus strand). Cytogenetic location: 17q11.2.
Variant type: single nucleotide variant.
Coding change: c.5709C>A on transcript NM_001042492.3 (MANE Select); coding-DNA position 5709, C replaced by A.
Protein change: p.Asn1903Lys; replaces asparagine 1903 with lysine.
Molecular consequence: missense variant.
Genome position (GRCh38, 1-based): chr17:31,330,395, C>A. VCF-style: chr17-31330395-C-A. GRCh37 (hg19) VCF-style: chr17-29657413-C-A.
Other names: c.5646C>A, p.Asn1882Lys (NM_000267.4); short protein forms N1882K, N1903K.
Identifiers: ClinVar variation 4615821 (VCV004615821.1).